The following is an entry in ClinVar:

ClinVar aggregate classification (germline): Conflicting classifications of pathogenicity. Review status: criteria provided, conflicting classifications (1 of 4 stars). 2 submissions from 2 submitters: Uncertain significance (1); Likely benign (1). Last evaluated 2023-03-23.

Conditions:
Hereditary cancer-predisposing syndrome. Also called: Tumor predisposition; Hereditary neoplastic syndrome; Hereditary Cancer Syndrome; Neoplastic Syndromes, Hereditary. Identifiers: Orphanet 140162, MedGen C0027672, MeSH D009386, MONDO:0015356.
Hereditary breast ovarian cancer syndrome. Also called: Hereditary breast and ovarian cancer; Breast and ovarian cancer; BRCA1- and BRCA2-Associated Hereditary Breast and Ovarian Cancer; Hereditary breast and/or ovarian cancer syndrome; Hereditary breast and ovarian cancer syndrome; Hereditary breast and ovarian cancer syndrome (HBOC). Identifiers: Orphanet 145, MedGen C0677776, MeSH D061325, MONDO:0003582. Disease mechanism: loss of function.

Submissions (2):

University of Washington Department of Laboratory Medicine, University of Washington
Classification: Likely benign for Hereditary cancer-predisposing syndrome. Last evaluated: 2023-03-23. Review status: criteria provided, single submitter. Criteria: Dines et al. (Genet Med. 2020). Collection method: curation. Allele origin: germline.
Comment: Missense variant in a coldspot region where missense variants are very unlikely to be pathogenic (PMID:31911673).

BRCA1 coldspot (exon 11 using historical exon numbering). Reclassification based on statistical prior probability

Labcorp Genetics (formerly Invitae), Labcorp
Classification: Uncertain significance for Hereditary breast ovarian cancer syndrome. Last evaluated: 2021-03-13. Review status: criteria provided, single submitter. Criteria: Invitae Variant Classification Sherloc (09022015). Collection method: clinical testing. Allele origin: germline.
Comment: In summary, the available evidence is currently insufficient to determine the role of this variant in disease. Therefore, it has been classified as a Variant of Uncertain Significance. Advanced modeling of protein sequence and biophysical properties (such as structural, functional, and spatial information, amino acid conservation, physicochemical variation, residue mobility, and thermodynamic stability) performed at Invitae indicates that this missense variant is expected to disrupt BRCA1 protein function. This variant has not been reported in the literature in individuals with BRCA1-related conditions. This variant is not present in population databases (ExAC no frequency). This sequence change replaces phenylalanine with valine at codon 461 of the BRCA1 protein (p.Phe461Val). The phenylalanine residue is highly conserved and there is a small physicochemical difference between phenylalanine and valine.

NM_007294.4(BRCA1):c.1381T>G (p.Phe461Val)

Gene: BRCA1 (BRCA1 DNA repair associated; minus strand). Cytogenetic location: 17q21.31.
Variant type: single nucleotide variant.
Coding change: c.1381T>G on transcript NM_007294.4 (MANE Select); coding-DNA position 1381, T replaced by G.
Protein change: p.Phe461Val; replaces phenylalanine 461 with valine.
Molecular consequence: missense variant. On other transcripts: intron variant (137).
Genome position (GRCh38, 1-based): chr17:43,094,150, A>C on the plus strand (T>G on the coding strand, the complement: BRCA1 is on the minus strand). VCF-style: chr17-43094150-A-C. GRCh37 (hg19) VCF-style: chr17-41246167-A-C.
Other names: c.1168T>G, p.Phe390Val (NM_001407571.1, NM_001407853.1, NM_001407894.1 and 9 more transcripts); c.1381T>G, p.Phe461Val (NM_001407581.1, NM_001407582.1, NM_001407583.1 and 30 more transcripts); c.1378T>G, p.Phe460Val (NM_001407587.1, NM_001407590.1, NM_001407591.1 and 22 more transcripts); c.1372T>G, p.Phe458Val (NM_001407646.1, NM_001407647.1); c.1258T>G, p.Phe420Val (NM_001407648.1, NM_001407664.1, NM_001407665.1 and 19 more transcripts); c.1255T>G, p.Phe419Val (NM_001407649.1, NM_001407670.1, NM_001407671.1 and 11 more transcripts); c.1303T>G, p.Phe435Val (NM_001407653.1, NM_001407654.1, NM_001407655.1 and 4 more transcripts); c.1300T>G, p.Phe434Val (NM_001407659.1, NM_001407660.1, NM_001407661.1 and 1 more transcripts); and 40 more; short protein forms F461V, F414V, F165V, F333V, F334V, F349V, F390V, F458V.
Identifiers: ClinVar variation 1461860 (VCV001461860.11), dbSNP rs62625300, ClinGen allele CA10599281.
Genomic context (GRCh38, chr17:43,094,150, plus strand): 5'-GATTTTCAGTTACATGGCTTAAGTTGGGGAGGCTTGCCTTCTTCCGATAGGTTTTCCCAA[A>C]TATTTTGTCTTCAATATTACTCTCTACTGATTTGGAGTGAACTCTTTCACTTTTACATAT-3'
Protein context (NP_009225.1, residues 451-471): SVESNIEDKI[Phe461Val]GKTYRKKASL